The following is an entry in ClinVar:

ClinVar aggregate classification (germline): Likely benign. Review status: criteria provided, multiple submitters, no conflicts (2 of 4 stars). 2 submissions from 2 submitters: Likely benign (2). Last evaluated 2026-07-31.

Conditions:
Familial colorectal cancer type X. Identifiers: Orphanet 440437, MedGen C3896578, MONDO:0018604.

Allele frequency attached by ClinVar (database versions not stated): TOPMed 0.00001; gnomAD 0.00001; ExAC 0.00002.
gnomAD v4.1: 39 of 1,603,532 alleles (0.0024%); highest among the groups gnomAD compares: Non-Finnish European, 0.0032%; no homozygotes.

Submissions (2):

Myriad Genetics, Inc.
Classification: Likely benign for Familial colorectal cancer type X. Last evaluated: 2026-07-31. Review status: criteria provided, single submitter. Criteria: Myriad Autosomal Dominant, Autosomal Recessive and X-Linked Classification Criteria (2023). Collection method: clinical testing. Allele origin: unknown.
Comment: This variant is considered likely benign. This variant is intronic and is not expected to impact mRNA splicing.

Labcorp Genetics (formerly Invitae), Labcorp
Classification: Likely benign. Last evaluated: 2022-09-14. Review status: criteria provided, single submitter. Criteria: Invitae Variant Classification Sherloc (09022015). Collection method: clinical testing. Allele origin: germline.

NM_001023.4(RPS20):c.103+8C>T

Gene: RPS20 (ribosomal protein S20; minus strand). Cytogenetic location: 8q12.1.
Variant type: single nucleotide variant.
Coding change: c.103+8C>T on transcript NM_001023.4 (MANE Select); 8 bases into the intron after coding-DNA position 103, C replaced by T.
Molecular consequence: intron variant.
Genome position (GRCh38, 1-based): chr8:56,074,052, G>A on the plus strand (C>T on the coding strand, the complement: RPS20 is on the minus strand). VCF-style: chr8-56074052-G-A. GRCh37 (hg19) VCF-style: chr8-56986611-G-A.
Other names: c.103+8C>T (NM_001146227.3).
Identifiers: ClinVar variation 2160523 (VCV002160523.5), dbSNP rs769986211, ClinGen allele CA4754448.